The following is an entry in ClinVar:

ClinVar aggregate classification (germline): Uncertain significance (1 of 4 stars; one submission).

Submission:

Genetic Services Laboratory, University of Chicago
Classification: Uncertain significance. Last evaluated: 2023-03-27. Review status: criteria provided, single submitter. Criteria: ACMG Guidelines, 2015. Collection method: clinical testing. Allele origin: germline. Affected: no.
Comment: DNA sequence analysis of the TMEM231 gene demonstrated a sequence change, c.313C>T, in exon 1 that results in an amino acid change, p.Arg105Trp. This sequence change does not appear to have been previously described in individuals with TMEM231-related disorders and has also not been described in population databases such as ExAC and gnomAD. The p.Arg105Trp change affects a moderately conserved amino acid residue located in a domain of the TMEM231 protein that is known to be functional. In-silico pathogenicity prediction tools (SIFT, PolyPhen2, Align GVGD, REVEL) provide contradictory results for the p.Arg105Trp substitution. Due to insufficient evidences and the lack of functional studies, the clinical significance of the p.Arg105Trp change remains unknown at this time.

NM_001077418.3(TMEM231):c.154C>T (p.Arg52Trp)

Genes: TMEM231 (transmembrane protein 231; minus strand), LOC130059440 (ATAC-STARR-seq lymphoblastoid silent region 7724; plus strand). Cytogenetic location: 16q23.1.
Variant type: single nucleotide variant.
Coding change: c.154C>T on transcript NM_001077418.3 (MANE Select); coding-DNA position 154, C replaced by T.
Protein change: p.Arg52Trp; replaces arginine 52 with tryptophan.
Molecular consequence: missense variant. On other transcripts: non-coding transcript variant (1).
Genome position (GRCh38, 1-based): chr16:75,555,959, G>A on the plus strand (C>T on the coding strand, the complement: TMEM231 is on the minus strand). VCF-style: chr16-75555959-G-A. GRCh37 (hg19) VCF-style: chr16-75589857-G-A.
Other names: c.313C>T, p.Arg105Trp (NM_001077416.2); short protein forms R105W, R52W.
Identifiers: ClinVar variation 4082529 (VCV004082529.2).